The following is an entry in ClinVar:

ClinVar aggregate classification (germline): Uncertain significance (1 of 4 stars; one submission).

Conditions:
Hajdu-Cheney syndrome (HJCYS). Also called: ACROOSTEOLYSIS WITH OSTEOPOROSIS AND CHANGES IN SKULL AND MANDIBLE; SERPENTINE FIBULA-POLYCYSTIC KIDNEY SYNDROME; Acroosteolysis dominant type. Identifiers: Orphanet 955, MedGen C0917715, MONDO:0007057, OMIM 102500.

Submission:

Labcorp Genetics (formerly Invitae), Labcorp
Classification: Uncertain significance for Hajdu-Cheney syndrome. Last evaluated: 2024-09-30. Review status: criteria provided, single submitter. Criteria: Invitae Variant Classification Sherloc (09022015). Collection method: clinical testing. Allele origin: germline.
Comment: This sequence change replaces serine, which is neutral and polar, with glycine, which is neutral and non-polar, at codon 1274 of the NOTCH2 protein (p.Ser1274Gly). This variant is not present in population databases (gnomAD no frequency). This variant has not been reported in the literature in individuals affected with NOTCH2-related conditions. Invitae Evidence Modeling of protein sequence and biophysical properties (such as structural, functional, and spatial information, amino acid conservation, physicochemical variation, residue mobility, and thermodynamic stability) indicates that this missense variant is not expected to disrupt NOTCH2 protein function with a negative predictive value of 80%. In summary, the available evidence is currently insufficient to determine the role of this variant in disease. Therefore, it has been classified as a Variant of Uncertain Significance.

NM_024408.4(NOTCH2):c.3820A>G (p.Ser1274Gly)

Gene: NOTCH2 (notch receptor 2; minus strand). Cytogenetic location: 1p12.
Variant type: single nucleotide variant.
Coding change: c.3820A>G on transcript NM_024408.4 (MANE Select); coding-DNA position 3820, A replaced by G.
Protein change: p.Ser1274Gly; replaces serine 1274 with glycine.
Molecular consequence: missense variant.
Genome position (GRCh38, 1-based): chr1:119,929,048, T>C on the plus strand (A>G on the coding strand, the complement: NOTCH2 is on the minus strand). VCF-style: chr1-119929048-T-C. GRCh37 (hg19) VCF-style: chr1-120471671-T-C.
Other names: short protein forms S1274G.
Identifiers: ClinVar variation 2863449 (VCV002863449.3), dbSNP rs2526160937, ClinGen allele CA341893548.